The following is an entry in ClinVar:

NM_000038.6(APC):c.6094_6103delinsTCTCTT (p.Ile2032fs)

Gene: APC (APC regulator of Wnt signaling pathway; plus strand). Cytogenetic location: 5q22.2.
Variant type: Indel.
Coding change: c.6094_6103delinsTCTCTT on transcript NM_000038.6 (MANE Select); coding-DNA positions 6094 to 6103, ATTGACTCTG replaced by TCTCTT.
Protein change: p.Ile2032fs; shifts the reading frame from isoleucine 2032.
Molecular consequence: frameshift variant. On other transcripts: non-coding transcript variant (2).
Genome position (GRCh38, 1-based): chr5:112,841,688-112,841,697, ATTGACTCTG replaced by TCTCTT. VCF-style: chr5-112841688-ATTGACTCTG-TCTCTT. GRCh37 (hg19) VCF-style: chr5-112177385-ATTGACTCTG-TCTCTT.
Other names: c.6094_6103delinsTCTCTT, p.Ile2032fs (NM_001127510.3, NM_001354895.2, NM_001407450.1); c.6040_6049delinsTCTCTT, p.Ile2014fs (NM_001127511.3); c.6148_6157delinsTCTCTT, p.Ile2050fs (NM_001354896.2, NM_001407447.1, NM_001407448.1 and 1 more transcripts); c.6124_6133delinsTCTCTT, p.Ile2042fs (NM_001354897.2); c.6019_6028delinsTCTCTT, p.Ile2007fs (NM_001354898.2); c.6010_6019delinsTCTCTT, p.Ile2004fs (NM_001354899.2); c.5971_5980delinsTCTCTT, p.Ile1991fs (NM_001354900.2); c.5917_5926delinsTCTCTT, p.Ile1973fs (NM_001354901.2, NM_001407453.1); and 11 more; short protein forms I1648fs, I1749fs, I1872fs, I1903fs, I1906fs, I1931fs, I1941fs, I1949fs.
Identifiers: ClinVar variation 2584127 (VCV002584127.1), dbSNP rs2533690743, ClinGen allele CA2582341503.

ClinVar aggregate classification (germline): Pathogenic (1 of 4 stars; one submission).

Conditions:
Familial adenomatous polyposis 1 (FAP1). Also called: FAMILIAL ADENOMATOUS POLYPOSIS 1, ATTENUATED; POLYPOSIS, ADENOMATOUS INTESTINAL. Identifiers: MedGen C2713442, MONDO:0021056, OMIM 175100. Disease mechanism: loss of function.

Submission:

Myriad Genetics, Inc.
Classification: Pathogenic for Familial adenomatous polyposis 1. Last evaluated: 2023-05-15. Review status: criteria provided, single submitter. Criteria: Myriad Autosomal Dominant, Autosomal Recessive and X-Linked Classification Criteria (2023). Collection method: clinical testing. Allele origin: unknown.
Comment: This variant is considered pathogenic. This variant creates a frameshift predicted to result in premature protein truncation.